The following is an entry in ClinVar:

NM_001289080.2(CNTN6):c.566C>A (p.Ser189Ter)

Gene: CNTN6 (contactin 6; plus strand). Cytogenetic location: 3p26.3.
Variant type: single nucleotide variant.
Coding change: c.566C>A on transcript NM_001289080.2 (MANE Select); coding-DNA position 566, C replaced by A.
Protein change: p.Ser189Ter; replaces serine 189 with a stop codon.
Molecular consequence: nonsense. On other transcripts: 5 prime UTR variant (3), intron variant (2).
Genome position (GRCh38, 1-based): chr3:1,295,712, C>A. VCF-style: chr3-1295712-C-A. GRCh37 (hg19) VCF-style: chr3-1337396-C-A.
Other names: c.350C>A, p.Ser117Ter (NM_001289081.2); c.566C>A, p.Ser189Ter (NM_001349350.2, NM_001349351.2, NM_001349352.2 and 6 more transcripts); c.-372C>A (NM_001349359.2); c.-552C>A (NM_001349361.2); c.-454C>A (NM_001349362.2); c.-362+17204C>A (NM_001349360.2); c.454+17204C>A (NM_001349357.2); short protein forms S189*, S117*.
Identifiers: ClinVar variation 548950 (VCV000548950.3), dbSNP rs773080572, ClinGen allele CA68656174.

ClinVar aggregate classification (germline): Likely pathogenic (1 of 4 stars; one submission).

Conditions:
Autistic behavior. Identifiers: MedGen C0856975, HP:0000729.

gnomAD v4.1: 1 of 1,614,042 alleles (0.000062%); highest among the groups gnomAD compares: Non-Finnish European, 0.000085%; no homozygotes.

Submission:

Laboratorio de Citogenómica y Microarreglos, Universidad Autonoma de Nuevo Leon
Classification: Likely pathogenic for Autistic behavior. Last evaluated: 2018-07-16. Review status: criteria provided, single submitter. Criteria: ACMG Guidelines, 2015. Collection method: research. Allele origin: paternal. Inheritance: Autosomal dominant inheritance. Affected: yes. Observed: 2 variant alleles, 2 heterozygotes.
Comment: Although this variant was previously reported by 1000 genomes and has a dbSNP identifier as SNV; its frequency and validation are not yet provided, and in other databases such as ExAC, gnomaD, ClinVar, and NHLB, this SNV has not yet been reported. However, according to our criteria, this variant is predicted to produce a shorter protein with a length < 200 amino acids.